The following is an entry in ClinVar:

NM_181523.3(PIK3R1):c.334+4_334+9del

Gene: PIK3R1 (phosphoinositide-3-kinase regulatory subunit 1; plus strand). Cytogenetic location: 5q13.1.
Variant type: Deletion.
Coding change: c.334+4_334+9del on transcript NM_181523.3 (MANE Select); bases 4 to 9 of the intron after coding-DNA position 334, 6 bases deleted (AGTATT; older notation c.334+4_334+9delAGTATT).
Molecular consequence: intron variant.
Genome position (GRCh38, 1-based): chr5:68,227,013-68,227,018, AGTATT deleted. VCF-style (leftmost placement, unchanged base first): chr5-68227012-CAGTATT-C. GRCh37 (hg19) VCF-style: chr5-67522840-CAGTATT-C.
Identifiers: ClinVar variation 961973 (VCV000961973.8), dbSNP rs1219959578, ClinGen allele CA560222765.

ClinVar aggregate classification (germline): Uncertain significance (1 of 4 stars; one submission).

Conditions:
Agammaglobulinemia 7, autosomal recessive (AGM7). Also called: AGAMMAGLOBULINEMIA, AUTOSOMAL RECESSIVE, DUE TO PIK3R1 DEFECT. Identifiers: MedGen C3554689, MONDO:0014083, OMIM 615214.
SHORT syndrome. Also called: LIPODYSTROPHY, PARTIAL, WITH RIEGER ANOMALY AND SHORT STATURE; PIK3R1-Related SHORT Syndrome; SHORT STATURE, HYPEREXTENSIBILITY, HERNIA, OCULAR DEPRESSION, RIEGER ANOMALY, AND TEETHING DELAY. Identifiers: Orphanet 3163, MedGen C0878684, MONDO:0010026, OMIM 269880.
Immunodeficiency 36 with lymphoproliferation. Also called: Immunodeficiency 36; Activated PI3K Delta Syndrome Type 2 (APDS2); ACTIVATED PI3K-DELTA SYNDROME 2. Identifiers: Orphanet 397596, Orphanet 693681, MedGen C4014934, MONDO:0014453, OMIM 616005.

Allele frequency attached by ClinVar (database versions not stated): gnomAD exomes below 0.00001.

Submission:

Labcorp Genetics (formerly Invitae), Labcorp
Classification: Uncertain significance for SHORT syndrome; Immunodeficiency 36 with lymphoproliferation; Agammaglobulinemia 7, autosomal recessive. Last evaluated: 2022-11-18. Review status: criteria provided, single submitter. Criteria: Invitae Variant Classification Sherloc (09022015). Collection method: clinical testing. Allele origin: germline.
Comment: In summary, the available evidence is currently insufficient to determine the role of this variant in disease. Therefore, it has been classified as a Variant of Uncertain Significance. Variants that disrupt the consensus splice site are a relatively common cause of aberrant splicing (PMID: 17576681, 9536098). Algorithms developed to predict the effect of sequence changes on RNA splicing suggest that this variant may disrupt the consensus splice site. ClinVar contains an entry for this variant (Variation ID: 961973). This variant has not been reported in the literature in individuals affected with PIK3R1-related conditions. This variant is present in population databases (no rsID available, gnomAD no frequency). This sequence change falls in intron 2 of the PIK3R1 gene. It does not directly change the encoded amino acid sequence of the PIK3R1 protein. It affects a nucleotide within the consensus splice site.

Literature cited by the submitters: PubMed 17576681; PubMed 9536098.